The following is an entry in ClinVar:

ClinVar aggregate classification (germline): Uncertain significance (1 of 4 stars; one submission).

Submission:

GeneDx
Classification: Uncertain significance. Last evaluated: 2026-02-03. Review status: criteria provided, single submitter. Criteria: GeneDx Variant Classification Process June 2021. Collection method: clinical testing. Allele origin: germline.
Comment: Not observed at significant frequency in large population cohorts (gnomAD); In silico analysis suggests that this missense variant does not alter protein structure/function; Has not been previously published as pathogenic or benign to our knowledge

NM_001367479.1(DNAH14):c.3733A>T (p.Ile1245Phe)

Gene: DNAH14 (dynein axonemal heavy chain 14; plus strand). Cytogenetic location: 1q42.12.
Variant type: single nucleotide variant.
Coding change: c.3733A>T on transcript NM_001367479.1 (MANE Select); coding-DNA position 3733, A replaced by T.
Protein change: p.Ile1245Phe; replaces isoleucine 1245 with phenylalanine.
Molecular consequence: missense variant.
Genome position (GRCh38, 1-based): chr1:225,100,750, A>T. VCF-style: chr1-225100750-A-T. GRCh37 (hg19) VCF-style: chr1-225288452-A-T.
Other names: NM_001373.1:c.3733A>T; short protein forms I1245F.
Identifiers: ClinVar variation 4975880 (VCV004975880.1).
Genomic context (GRCh38, chr1:225,100,750, plus strand): 5'-GACATCTAATTTTTTTTCTAAAGGCAACTCCCAGCAGAAACAGAACTTTTCTCTCAAGTG[A>T]TTTCCATGTGGAAAAAAATAATGTCAAAAATACAAAACAAACAGAATGCTTTGCAGATAA-3'
Protein context (NP_001354408.1, residues 1235-1255): PAETELFSQV[Ile1245Phe]SMWKKIMSKI